The following is an entry in ClinVar:

NM_004067.4(CHN2):c.50-61702A>T

Gene: CHN2 (chimerin 2; plus strand). Cytogenetic location: 7p14.3.
Variant type: single nucleotide variant.
Coding change: c.50-61702A>T on transcript NM_004067.4 (MANE Select); 61702 bases into the intron before coding-DNA position 50, A replaced by T.
Molecular consequence: intron variant. On other transcripts: splice acceptor variant (1).
Genome position (GRCh38, 1-based): chr7:29,292,923, A>T. VCF-style: chr7-29292923-A-T. GRCh37 (hg19) VCF-style: chr7-29332539-A-T.
Other names: c.-389-61702A>T (NM_001398427.1); c.50-2A>T (NM_001293070.2); c.1-61702A>T (NM_001293071.2); c.5-61702A>T (NM_001293072.2).
Identifiers: ClinVar variation 3038773 (VCV003038773.2), dbSNP rs115892746, ClinGen allele CA4201937.
Genomic context (GRCh38, chr7:29,292,923, plus strand): 5'-TATATCTGTCACGGATTACAATAACCTCTTAACTGGCTGTTTCCACTCTTGCCTCTCTTC[A>T]GTCTATTCTGAACCCAGAAGCCCGAGAGAGCTTCCAAAATGTAAGTCAGATGATGTCACT-3'

ClinVar aggregate classification (germline): Benign (0 of 4 stars; one submission).

Conditions:
CHN2-related disorder. Also called: CHN2-related condition.

Allele frequency attached by ClinVar (database versions not stated): ExAC 0.00102; gnomAD exomes 0.00201; 1000 Genomes Project 0.01498; 1000 Genomes Project 30x 0.01546; TOPMed 0.01710.
gnomAD v4.1: 2,830 of 456,194 alleles (0.62%); highest among the groups gnomAD compares: African/African-American, 5%; 70 homozygotes.

Submission:

PreventionGenetics, part of Exact Sciences
Classification: Benign for CHN2-related condition. Last evaluated: 2019-06-07. Review status: no assertion criteria provided. Collection method: clinical testing. Allele origin: germline.
Comment: This variant is classified as benign based on ACMG/AMP sequence variant interpretation guidelines (Richards et al. 2015 PMID: 25741868, with internal and published modifications).